The following is an entry in ClinVar:

NM_018941.4(CLN8):c.256C>T (p.Leu86=)

Gene: CLN8 (CLN8 transmembrane ER and ERGIC protein; plus strand). Cytogenetic location: 8p23.3.
Variant type: single nucleotide variant.
Coding change: c.256C>T on transcript NM_018941.4 (MANE Select); coding-DNA position 256, C replaced by T.
Protein change: p.Leu86=; no amino-acid change (leucine 86 retained).
Molecular consequence: synonymous variant.
Genome position (GRCh38, 1-based): chr8:1,771,310, C>T. VCF-style: chr8-1771310-C-T. GRCh37 (hg19) VCF-style: chr8-1719476-C-T.
Identifiers: ClinVar variation 283772 (VCV000283772.17), dbSNP rs755248868, ClinGen allele CA4599232.

ClinVar aggregate classification (germline): Conflicting classifications of pathogenicity. Review status: criteria provided, conflicting classifications (1 of 4 stars). 4 submissions from 4 submitters: Uncertain significance (2); Likely benign (1). 1 of the submissions does not count toward it. Last evaluated 2026-01-09.

Conditions:
Neuronal ceroid lipofuscinosis. Also called: Neuronal Ceroid Lipofuscinoses. Identifiers: Orphanet 216, Orphanet 79263, MedGen C0027877, MONDO:0016295. Disease mechanism: loss of function.

Allele frequency attached by ClinVar (database versions not stated): gnomAD 0.00001; gnomAD exomes 0.00001 and 0.00002; ExAC 0.00002; TOPMed 0.00002.

Submissions (4):

Labcorp Genetics (formerly Invitae), Labcorp
Classification: Likely benign for Neuronal ceroid lipofuscinosis. Last evaluated: 2026-01-09. Review status: criteria provided, single submitter. Criteria: Invitae Variant Classification Sherloc (09022015). Collection method: clinical testing. Allele origin: germline.

GeneDx
Classification: Uncertain significance. Last evaluated: 2021-12-13. Review status: criteria provided, single submitter. Criteria: GeneDx Variant Classification Process June 2021. Collection method: clinical testing. Allele origin: germline. Affected: yes.
Comment: In silico analysis supports that this variant does not alter splicing; Has not been previously published as pathogenic or benign to our knowledge

Eurofins Ntd Llc (ga)
Classification: Uncertain significance. Last evaluated: 2015-10-02. Review status: criteria provided, single submitter. Criteria: EGL Classification Definitions 2015. Collection method: clinical testing. Allele origin: germline. Observed: 1 variant allele, 1 heterozygote.

Natera, Inc.
Classification: Uncertain significance for Neuronal ceroid lipofuscinosis. Last evaluated: 2019-10-28. Review status: no assertion criteria provided. Collection method: clinical testing. Allele origin: germline. Not counted in ClinVar's aggregate classification.